The following is an entry in ClinVar:

NM_001365536.1(SCN9A):c.3925-2A>G

Genes: SCN1A-AS1 (SCN1A and SCN9A antisense RNA 1; plus strand), SCN9A (sodium voltage-gated channel alpha subunit 9; minus strand). Cytogenetic location: 2q24.3.
Variant type: single nucleotide variant.
Coding change: c.3925-2A>G on transcript NM_001365536.1 (MANE Select); the canonical splice acceptor site of the intron before coding-DNA position 3925, A replaced by G.
Molecular consequence: splice acceptor variant.
Genome position (GRCh38, 1-based): chr2:166,228,974, T>C on the plus strand (A>G on the coding strand, the complement: SCN9A is on the minus strand). VCF-style: chr2-166228974-T-C. GRCh37 (hg19) VCF-style: chr2-167085484-T-C.
Other names: c.3892-2A>G (NM_002977.4).
Identifiers: ClinVar variation 861229 (VCV000861229.8), dbSNP rs532631248, ClinGen allele CA59810366.

ClinVar aggregate classification (germline): Likely pathogenic (1 of 4 stars; one submission).

Conditions:
Neuropathy, hereditary sensory and autonomic, type 2A (HSAN2A). Also called: HSAN IIA; MORVAN DISEASE; NEUROPATHY, CONGENITAL SENSORY; NEUROPATHY, HEREDITARY SENSORY RADICULAR, AUTOSOMAL RECESSIVE; NEUROPATHY, HEREDITARY SENSORY, TYPE IIA; NEUROPATHY, PROGRESSIVE SENSORY, OF CHILDREN. Identifiers: Orphanet 970, MedGen C2752089, MONDO:0024309, OMIM 201300.
Generalized epilepsy with febrile seizures plus, type 7 (GEFSP7). Also called: GEFS+, TYPE 7. Identifiers: Orphanet 36387, MedGen C2751778, MONDO:0013470, OMIM 613863.

Allele frequency attached by ClinVar (database versions not stated): gnomAD 0.00001; 1000 Genomes Project 30x 0.00016; 1000 Genomes Project 0.00020.
gnomAD v4.1: 1 of 1,606,210 alleles (0.000062%); highest among the groups gnomAD compares: Admixed American, 0.0017%; no homozygotes.

Submission:

Labcorp Genetics (formerly Invitae), Labcorp
Classification: Likely pathogenic for Neuropathy, hereditary sensory and autonomic, type 2A; Generalized epilepsy with febrile seizures plus, type 7. Last evaluated: 2019-11-29. Review status: criteria provided, single submitter. Criteria: Invitae Variant Classification Sherloc (09022015). Collection method: clinical testing. Allele origin: germline.
Comment: In summary, the currently available evidence indicates that the variant is pathogenic, but additional data are needed to prove that conclusively. Therefore, this variant has been classified as Likely Pathogenic. Donor and acceptor splice site variants typically lead to a loss of protein function (PMID: 16199547), and loss-of-function variants in SCN9A are known to be pathogenic (PMID: 17470132, 19304393). This variant has not been reported in the literature in individuals with SCN9A-related conditions. This variant is not present in population databases (ExAC no frequency). This sequence change affects an acceptor splice site in intron 21 of the SCN9A gene. It is expected to disrupt RNA splicing and likely results in an absent or disrupted protein product.

Literature cited by the submitters: PubMed 16199547; PubMed 17470132; PubMed 19304393.